The following is an entry in ClinVar:

ClinVar aggregate classification (germline): Pathogenic. Review status: practice guideline (4 of 4 stars). 24 submissions from 23 submitters: Pathogenic (1). 23 of the submissions do not count toward it. Last evaluated 2004-03-03.

Conditions:
CFTR-related disorder (CFTR-RD). Also called: CFTR-related disorders; CFTR-related condition. Identifiers: MedGen C5924204, MONDO:7770004.
Congenital bilateral aplasia of vas deferens from CFTR mutation (CBAVD). Identifiers: Orphanet 48, MedGen C0403814, MONDO:0010178, OMIM 277180. Disease mechanism: loss of function.
Cystic fibrosis (CF). Also called: MUCOVISCIDOSIS. Identifiers: Orphanet 586, MedGen C0010674, MONDO:0009061, OMIM 219700. Disease mechanism: loss of function.
Bronchiectasis with or without elevated sweat chloride 1 (BESC1). Also called: Cystic Fibrosis-Like Syndrome. Identifiers: Orphanet 60033, MedGen C2749757, MONDO:0008887, OMIM 211400.

Allele frequency attached by ClinVar (database versions not stated): ExAC 0.00003; gnomAD 0.00004; gnomAD exomes 0.00004 and 0.00005; TOPMed 0.00007; ESP Exome Variant Server 0.00015.
gnomAD v4.1: 56 of 1,482,946 alleles (0.0038%); highest among the groups gnomAD compares: Admixed American, 0.017%; 1 homozygote.

Submissions 1 to 11 of 24:

American College of Medical Genetics and Genomics  (ACMG)
Classification: Pathogenic for Cystic fibrosis. Last evaluated: 2004-03-03. Review status: practice guideline. Criteria: Guideline for cystic fibrosis carrier screening. Collection method: curation. Allele origin: germline. Inheritance: Autosomal recessive inheritance. Study: The ACMG recommended carrier screening panel.
ClinVar note: Converted during submission from pathogenic to Pathogenic.

CFTR2
Classification: Pathogenic for Cystic fibrosis. Last evaluated: 2017-03-17. Review status: reviewed by expert panel. Criteria: Sosnay PR et al. (Nat Genet 2013). Collection method: research. Allele origin: germline. Affected: yes. Study: CFTR2. Not counted in ClinVar's aggregate classification.

Molecular Genetics Laboratory, CHU Lille
Classification: Pathogenic for Cystic fibrosis. Last evaluated: 2026-08-19. Review status: criteria provided, single submitter. Criteria: ACMG Guidelines, 2015. Collection method: clinical testing. Allele origin: germline. Affected: yes. Not counted in ClinVar's aggregate classification.
Comment: The CFTR c.579+1G>T variant (also designated as c.711+1G>T) disrupts a canonical splice donor site, thereby interfering with normal CFTR mRNA splicing. This variant has been extensively documented in the literature in individuals with cystic fibrosis and functional RNA studies have demonstrated that it leads to the production of an aberrant transcript lacking exon 5. Furthermore, its frequency in the general population is consistent with pathogenicity. Based on these cumulative data, this variant is classified as Pathogenic.

Dasa
Classification: Pathogenic. Last evaluated: 2026-01-14. Review status: criteria provided, single submitter. Criteria: DASA Assertion Criteria. Collection method: clinical testing. Allele origin: germline. Not counted in ClinVar's aggregate classification.
Comment: NM_000492.4(CFTR):c.579+1G>T introduces a premature termination codon predicted to result in loss of normal protein function. Loss-of-function is an established mechanism of disease for this gene. Segregation evidence has been reported in affected families. This variant has been observed in affected individuals with related phenotype in a genotype context consistent with recessive disease (PMID: 25336128; PMID: 27738188; PMID: 20880762). This variant has been recurrently observed in individuals with related phenotype (PMID: 25336128; PMID: 27738188; PMID: 20880762). The variant is present at low frequency in population datasets. Based on the available data, this variant is classified as pathogenic.

Natera, Inc.
Classification: Pathogenic for CFTR-related disorders. Last evaluated: 2025-11-12. Review status: criteria provided, single submitter. Criteria: Natera Variant Classification Schema (03/2026). Collection method: clinical testing. Allele origin: germline. Not counted in ClinVar's aggregate classification.
Comment: The c.579+1G>T variant in CFTR is a canonical splice donor site variant predicted to affect pre-mRNA splicing, which may result in an abnormal transcript and altered protein product. This variant is expected to result in nonsense mediated decay, truncation, or a dysfunctional protein product. This variant is rare in the general population with a frequency below the threshold expected for the associated phenotype(s). This variant has been observed in one or more individuals affected with the associated recessive disease, as either homozygous or compound heterozygous with a second variant (PMID: 31523618, 32026723). Given the available evidence, this variant is classified as Pathogenic.

Labcorp Genetics (formerly Invitae), Labcorp
Classification: Pathogenic for Cystic fibrosis. Last evaluated: 2025-11-11. Review status: criteria provided, single submitter. Criteria: Invitae Variant Classification Sherloc (09022015). Collection method: clinical testing. Allele origin: germline. Not counted in ClinVar's aggregate classification.
Comment: This sequence change affects a donor splice site in intron 5 of the CFTR gene. It is expected to disrupt RNA splicing. Variants that disrupt the donor or acceptor splice site typically lead to a loss of protein function (PMID: 16199547), and loss-of-function variants in CFTR are known to be pathogenic (PMID: 1695717, 7691345, 9725922). This variant is present in population databases (rs77188391, gnomAD 0.01%). Disruption of this splice site has been observed in individual(s) with cystic fibrosis (CF) (PMID: 1710599, 20880762, 23974870). In at least one individual the data is consistent with being in trans (on the opposite chromosome) from a pathogenic variant. This variant is also known as 711+1G>T. ClinVar contains an entry for this variant (Variation ID: 38494). Algorithms developed to predict the effect of sequence changes on RNA splicing suggest that this variant may disrupt the consensus splice site. For these reasons, this variant has been classified as Pathogenic.

PreventionGenetics, part of Exact Sciences
Classification: Pathogenic for CFTR-related condition. Last evaluated: 2025-11-11. Review status: criteria provided, single submitter. Criteria: ACMG Guidelines, 2015. Collection method: clinical testing. Allele origin: germline. Not counted in ClinVar's aggregate classification.
Comment: The CFTR c.579+1G>T variant is predicted to disrupt the GT donor site and interfere with normal splicing. This variant, also known as c.711+1G>T in the literature, has been well-documented as causative for cystic fibrosis (Zielenski et al. 1991. PubMed ID: 1710599; Castellani et al. 2008. PubMed ID: 18456578; Steiner et al. 2011. PubMed ID: 21520337; Amato et al. 2011. PubMed ID: 22020151; Ooi et al. 2012. PubMed ID: 22658665; Sosnay et al. 2013. PubMed ID: 23974870; Beauchamp et al. 2019. PubMed ID: 31036917; Capalbo et al. 2019. PubMed ID: 31589614). This variant is reported in 0.014% of alleles in individuals of Latino descent in gnomAD. Variants that disrupt the consensus splice donor site in CFTR are expected to be pathogenic. This variant is interpreted as pathogenic.

Quest Diagnostics Nichols Institute San Juan Capistrano
Classification: Pathogenic. Last evaluated: 2025-09-03. Review status: criteria provided, single submitter. Criteria: Quest Diagnostics criteria. Collection method: clinical testing. Allele origin: unknown. Not counted in ClinVar's aggregate classification.
Comment: The CFTR c.579+1G>T variant (also known as c.711+1G>T) disrupts a canonical splice-donor site and interferes with normal CFTR mRNA splicing. This variant has been reported in the published literature in individuals with cystic fibrosis (PMIDs: 1710599 (1991), 7689008 (1993), 12767731 (2003), 15371903 (2004), 15994263 (2005), 17572159 (2008), 20880762 (2010), 27738188 (2017), 28603918 (2017), 30602999 (2018), 31523618 (2019), and 35573065 (2022)). RNA studies indicated that this variant results in production of an aberrant transcript missing exon 5 (PMIDs: 7689008 (1993) and 23974870 (2013)). The frequency of this variant in the general population (Genome Aggregation Database) is consistent with pathogenicity. Based on the available information, this variant is classified as pathogenic.

First Genomix Gene Laboratory, Genetic Diagnostics Department
Classification: Pathogenic for Congenital bilateral aplasia of vas deferens from CFTR mutation; Cystic fibrosis. Last evaluated: 2025-06-20. Review status: criteria provided, single submitter. Criteria: ACMG Guidelines, 2015. Collection method: clinical testing. Allele origin: germline. Inheritance: Autosomal recessive inheritance. Affected: no. Observed: 1 variant allele. Not counted in ClinVar's aggregate classification.

Revvity Omics, Revvity
Classification: Pathogenic. Last evaluated: 2025-06-19. Review status: criteria provided, single submitter. Criteria: ACMG Guidelines, 2015. Collection method: clinical testing. Allele origin: germline. Not counted in ClinVar's aggregate classification.

Ambry Genetics
Classification: Pathogenic for Cystic fibrosis. Last evaluated: 2025-04-16. Review status: criteria provided, single submitter. Criteria: Ambry Variant Classification Scheme 2023. Collection method: clinical testing. Allele origin: germline. Not counted in ClinVar's aggregate classification.
Comment: The c.579+1G>T intronic pathogenic mutation results from a G to T substitution one nucleotide after coding exon 5 of the CFTR gene. This mutation has been described in three siblings who presented with severe pulmonary symptoms, growth retardation, and pancreatic insufficiency and who also carried the c.489+1G>T mutation (De Braekeleer M et al. Clin Genet. 1997;51(3):214-216). In vitro studies of mRNA isolated from the nasal epithelial cells of a pancreatic insufficient CF patient who also carried the c.579+1G>T mutation, suggested that this mutation results in a transcript missing exon 5 (Zielenski J et al. Hum Mol Genet 1993;2(6):683-7). This mutation is typically associated with elevated sweat chloride levels, pancreatic insufficiency, and decreased lung function (Sosnay PR et al. Nat Genet. 2013;45(10):1160-7). Of note, this alteration is also referred to as 711+1G>T in the literature. This nucleotide position is highly conserved in available vertebrate species. In silico splice site analysis predicts that this alteration will weaken the native splice donor site and may result in the creation or strengthening of a novel splice donor site. In addition to the clinical data presented in the literature, alterations that disrupt the canonical splice site are expected to cause aberrant splicing, resulting in an abnormal protein or a transcript that is subject to nonsense-mediated mRNA decay. As such, this alteration is classified as a disease-causing mutation.

NM_000492.4(CFTR):c.579+1G>T

Gene: CFTR (CF transmembrane conductance regulator; plus strand). Cytogenetic location: 7q31.2.
Variant type: single nucleotide variant.
Coding change: c.579+1G>T on transcript NM_000492.4 (MANE Select); the canonical splice donor site of the intron after coding-DNA position 579, G replaced by T.
Molecular consequence: splice donor variant.
Genome position (GRCh38, 1-based): chr7:117,534,366, G>T. VCF-style: chr7-117534366-G-T. GRCh37 (hg19) VCF-style: chr7-117174420-G-T.
Other names: 711+1G>T; 711+1G->T.
Identifiers: ClinVar variation 38494 (VCV000038494.47), dbSNP rs77188391, ClinGen allele CA344709.